The following is an entry in ClinVar:

ClinVar aggregate classification (germline): Uncertain significance. Review status: criteria provided, multiple submitters, no conflicts (2 of 4 stars). 7 submissions from 7 submitters: Uncertain significance (5). 2 of the submissions do not count toward it. Last evaluated 2025-10-06.

Conditions:
RPGRIP1L-related disorder. Also called: RPGRIP1L-related disorders; RPGRIP1L-related condition. Identifiers: MedGen CN239416.
COACH syndrome 3. Identifiers: MedGen C5436841, MONDO:0030862, OMIM 619113.
Joubert syndrome 7 (JBTS7). Identifiers: Orphanet 220497, MedGen C1969053, MONDO:0012694, OMIM 611560.
Meckel syndrome, type 5 (MKS5). Identifiers: Orphanet 564, MedGen C1969052, MONDO:0012695, OMIM 611561.
Joubert syndrome. Also called: Familial aplasia of the vermis; JOUBERT-BOLTSHAUSER SYNDROME. Identifiers: Orphanet 475, MedGen C5979921, MONDO:0018772.
Meckel-Gruber syndrome. Also called: DYSENCEPHALIA SPLANCHNOCYSTICA; GRUBER SYNDROME; Dysencephalia splachnocystica. Identifiers: Orphanet 564, MedGen C0265215, MONDO:0018921.

Allele frequency attached by ClinVar (database versions not stated): gnomAD exomes 0.00006 and 0.00010; ExAC 0.00003; TOPMed 0.00007; gnomAD 0.00007; ESP Exome Variant Server 0.00008.
gnomAD v4.1: 157 of 1,613,770 alleles (0.0097%); highest among the groups gnomAD compares: Non-Finnish European, 0.013%; no homozygotes.

Submissions (7):

Mayo Clinic Laboratories, Mayo Clinic
Classification: Uncertain significance. Last evaluated: 2025-10-06. Review status: criteria provided, single submitter. Criteria: ACMG Guidelines, 2015. Collection method: clinical testing. Allele origin: germline. Observed: 1 variant allele.
Comment: BP4, PM2_supporting

Blueprint Genetics
Classification: Uncertain significance. Last evaluated: 2024-05-30. Review status: criteria provided, single submitter. Criteria: ACMG Guidelines, 2015. Collection method: clinical testing. Allele origin: germline.

Fulgent Genetics
Classification: Uncertain significance for Joubert syndrome 7; Meckel syndrome, type 5; COACH syndrome 3. Last evaluated: 2024-04-08. Review status: criteria provided, single submitter. Criteria: ACMG Guidelines, 2015. Collection method: clinical testing. Allele origin: germline.

Labcorp Genetics (formerly Invitae), Labcorp
Classification: Uncertain significance for Joubert syndrome; Meckel-Gruber syndrome. Last evaluated: 2022-09-06. Review status: criteria provided, single submitter. Criteria: Invitae Variant Classification Sherloc (09022015). Collection method: clinical testing. Allele origin: germline.
Comment: This sequence change replaces aspartic acid, which is acidic and polar, with asparagine, which is neutral and polar, at codon 972 of the RPGRIP1L protein (p.Asp972Asn). This variant is present in population databases (rs138777811, gnomAD 0.01%). This variant has not been reported in the literature in individuals affected with RPGRIP1L-related conditions. ClinVar contains an entry for this variant (Variation ID: 856937). Algorithms developed to predict the effect of missense changes on protein structure and function (SIFT, PolyPhen-2, Align-GVGD) all suggest that this variant is likely to be tolerated. In summary, the available evidence is currently insufficient to determine the role of this variant in disease. Therefore, it has been classified as a Variant of Uncertain Significance.

GeneDx
Classification: Uncertain significance. Last evaluated: 2020-09-08. Review status: criteria provided, single submitter. Criteria: GeneDx Variant Classification Process June 2021. Collection method: clinical testing. Allele origin: germline. Affected: yes.
Comment: Not observed at a significant frequency in large population cohorts (Lek et al., 2016)

PreventionGenetics, part of Exact Sciences
Classification: Uncertain significance for RPGRIP1L-related condition. Last evaluated: 2024-05-24. Review status: no assertion criteria provided. Collection method: clinical testing. Allele origin: germline. Not counted in ClinVar's aggregate classification.
Comment: The RPGRIP1L c.2914G>A variant is predicted to result in the amino acid substitution p.Asp972Asn. This variant was reported in an individual with focal and segmental glomerulosclerosis, who also had another heterozygous variant in RPGRIP1L (Table S4, Wang. 2019. PubMed ID: 31308072). This variant is reported in 0.011% of alleles in individuals of European (Non-Finnish) descent in gnomAD. At this time, the clinical significance of this variant is uncertain due to the absence of conclusive functional and genetic evidence.

Natera, Inc.
Classification: Uncertain significance for Joubert syndrome. Last evaluated: 2020-02-13. Review status: no assertion criteria provided. Collection method: clinical testing. Allele origin: germline. Not counted in ClinVar's aggregate classification.

Literature cited by the submitters: PubMed 31308072 (cited by Mayo Clinic Laboratories, Mayo Clinic).

NM_015272.5(RPGRIP1L):c.2914G>A (p.Asp972Asn)

Gene: RPGRIP1L (RPGRIP1 like; minus strand). Cytogenetic location: 16q12.2.
Variant type: single nucleotide variant.
Coding change: c.2914G>A on transcript NM_015272.5 (MANE Select); coding-DNA position 2914, G replaced by A.
Protein change: p.Asp972Asn; replaces aspartic acid 972 with asparagine.
Molecular consequence: missense variant.
Genome position (GRCh38, 1-based): chr16:53,641,077, C>T on the plus strand (G>A on the coding strand, the complement: RPGRIP1L is on the minus strand). VCF-style: chr16-53641077-C-T. GRCh37 (hg19) VCF-style: chr16-53674989-C-T.
Other names: p.Asp972Asn; c.2914G>A, p.Asp972Asn (NM_001127897.4, NM_001308334.3, NM_001330538.2); c.2914G>A (NM_015272.4); short protein forms D972N.
Identifiers: ClinVar variation 856937 (VCV000856937.12), dbSNP rs138777811, ClinGen allele CA8057421.
Genomic context (GRCh38, chr16:53,641,077, plus strand): 5'-AGTGTCTACTACTTACATCACTCTGATGTGGCATGATATCCACGAAAGATACCTTCTTAT[C>T]TACAGGTGTTAAACGTTGTCTTGGTTTAGGTCTTGGTGCCTAAGACAAACCAACCAATGT-3'
Protein context (NP_056087.2, residues 962-982): PKPRQRLTPV[Asp972Asn]KKVSFVDIMP